The following is an entry in ClinVar:

NM_004006.3(DMD):c.1863T>A (p.Tyr621Ter)

Gene: DMD (dystrophin; minus strand). Cytogenetic location: Xp21.1.
Variant type: single nucleotide variant.
Coding change: c.1863T>A on transcript NM_004006.3 (MANE Select); coding-DNA position 1863, T replaced by A.
Protein change: p.Tyr621Ter; replaces tyrosine 621 with a stop codon.
Molecular consequence: nonsense.
Genome position (GRCh38, 1-based): chrX:32,565,831, A>T on the plus strand (T>A on the coding strand, the complement: DMD is on the minus strand). VCF-style: chrX-32565831-A-T. GRCh37 (hg19) VCF-style: chrX-32583948-A-T.
Other names: c.1839T>A, p.Tyr613Ter (NM_000109.4); c.1851T>A, p.Tyr617Ter (NM_004009.3); c.1494T>A, p.Tyr498Ter (NM_004010.3); short protein forms Y498*, Y613*, Y617*, Y621*.
Identifiers: ClinVar variation 3900623 (VCV003900623.1).
Genomic context (GRCh38, chrX:32,565,831, plus strand): 5'-TTCCGTCTTCTGGGTCACTGACTTATTCTTCAGTGTTGAAAGAAGATCTTGTTTGAGTGA[A>T]TACAGTTTGCCCATGGATTGCTTTTTCTTTTCTAGATCCGCTTTTAAAACCTGTTAAAAC-3'

ClinVar aggregate classification (germline): Likely pathogenic (1 of 4 stars; one submission).

Conditions:
Duchenne muscular dystrophy (DMD). Also called: Duchenne Muscular Dystrophy (DMD); MUSCULAR DYSTROPHY, PSEUDOHYPERTROPHIC PROGRESSIVE, DUCHENNE TYPE. Identifiers: Orphanet 98896, MedGen C0013264, MONDO:0010679, OMIM 310200.

Submission:

Institute of Medical Genetics and Genomics, Sir Ganga Ram Hospital
Classification: Likely pathogenic for Duchenne muscular dystrophy. Last evaluated: 2025-05-24. Review status: criteria provided, single submitter. Criteria: ACMG Guidelines, 2015. Collection method: clinical testing. Allele origin: unknown. Inheritance: X-linked inheritance. Affected: yes. Observed: 1 hemizygote.
Comment: The genetic variant NM_004006.3(DMD):c.1863T>A(p.Tyr621Ter) is classified as likely pathogenic according to the ACMG/AMP guidelines. This variant is predicted to result in a premature stop codon at position 621 (p.Tyr621Ter) in the DMD gene, which is expected to produce a truncated dystrophin protein. Such loss-of-function mutations in the DMD gene are known to cause Duchenne muscular dystrophy (DMD), a severe X-linked disorder. The pathogenic nature of this variant is strongly supported by PVS1 (very strong evidence) for the loss of function, consistent with the disease mechanism. The variant is present in exon 16 of 79 exons, and many pathogenic null variants have been reported in ClinVar for this gene, of which 32 are in this exon. In addition, PM2 (moderate evidence) is provided by the lack of this variant in large population databases. This variant is novel.